The following is an entry in ClinVar:

NM_024422.6(DSC2):c.4G>A (p.Glu2Lys)

Genes: DSC2 (desmocollin 2; minus strand), DSCAS (DSC1/DSC2 antisense RNA; plus strand). Cytogenetic location: 18q12.1.
Variant type: single nucleotide variant.
Coding change: c.4G>A on transcript NM_024422.6 (MANE Select); coding-DNA position 4, G replaced by A.
Protein change: p.Glu2Lys; replaces glutamic acid 2 with lysine.
Molecular consequence: missense variant.
Genome position (GRCh38, 1-based): chr18:31,101,968, C>T on the plus strand (G>A on the coding strand, the complement: DSC2 is on the minus strand). VCF-style: chr18-31101968-C-T. GRCh37 (hg19) VCF-style: chr18-28681931-C-T.
Other names: p.E2K:GAG>AAG; c.4G>A, p.Glu2Lys (NM_004949.5); short protein forms E2K.
Identifiers: ClinVar variation 199776 (VCV000199776.33), dbSNP rs762556795, ClinGen allele CA022856.

ClinVar aggregate classification (germline): Conflicting classifications of pathogenicity. Review status: criteria provided, conflicting classifications (1 of 4 stars). 8 submissions from 8 submitters: Uncertain significance (6); Likely benign (2). Last evaluated 2025-12-08.

Conditions:
Cardiovascular phenotype. Identifiers: MedGen CN230736.
Familial isolated arrhythmogenic right ventricular dysplasia. Identifiers: Orphanet 217656, MedGen C4274968, MONDO:0016342.
Arrhythmogenic right ventricular dysplasia 11. Also called: Arrhythmogenic right ventricular dysplasia 11 with mild palmoplantar keratoderma and woolly hair; Arrhythmogenic Right Ventricular Dysplasia/Cardiomyopathy11; ARRHYTHMOGENIC RIGHT VENTRICULAR DYSPLASIA, FAMILIAL, 11. Identifiers: MedGen C1864850, MONDO:0012506, OMIM 610476.
Cardiomyopathy (CMYO). Also called: Cardiomyopathies. Identifiers: Orphanet 167848, MedGen C0878544, MONDO:0004994, HP:0001638. Inheritance: Various modes of inheritance.

Allele frequency attached by ClinVar (database versions not stated): ExAC 0.00040; gnomAD 0.00008 and 0.00007; gnomAD exomes 0.00012 and 0.00007; TOPMed 0.00003.
gnomAD v4.1: 111 of 1,524,154 alleles (0.0073%); highest among the groups gnomAD compares: Middle Eastern, 0.038%; no homozygotes.

Submissions (8):

Labcorp Genetics (formerly Invitae), Labcorp
Classification: Uncertain significance for Arrhythmogenic right ventricular dysplasia 11. Last evaluated: 2025-12-08. Review status: criteria provided, single submitter. Criteria: Invitae Variant Classification Sherloc (09022015). Collection method: clinical testing. Allele origin: germline.
Comment: This sequence change replaces glutamic acid, which is acidic and polar, with lysine, which is basic and polar, at codon 2 of the DSC2 protein (p.Glu2Lys). This variant is present in population databases (rs762556795, gnomAD 0.03%). This missense change has been observed in individual(s) with arrhythmogenic right ventricular cardiomyopathy (PMID: 20864495). ClinVar contains an entry for this variant (Variation ID: 199776). An algorithm developed to predict the effect of missense changes on protein structure and function (PolyPhen-2) suggests that this variant is likely to be tolerated. In summary, the available evidence is currently insufficient to determine the role of this variant in disease. Therefore, it has been classified as a Variant of Uncertain Significance.

Color Diagnostics, LLC DBA Color Health
Classification: Likely benign for Cardiomyopathy. Last evaluated: 2024-03-26. Review status: criteria provided, single submitter. Criteria: ACMG Guidelines, 2015. Collection method: clinical testing. Allele origin: germline.

All of Us Research Program, National Institutes of Health
Classification: Uncertain significance for Familial isolated arrhythmogenic right ventricular dysplasia. Last evaluated: 2024-01-11. Review status: criteria provided, single submitter. Criteria: ACMG Guidelines, 2015. Collection method: clinical testing. Allele origin: germline. Inheritance: Autosomal dominant inheritance. Observed: 19 variant alleles, 19 heterozygotes.
Comment: This missense variant replaces glutamic acid with lysine at codon 2 of the DSC2 protein. Computational prediction suggests that this variant may not impact protein structure and function (internally defined REVEL score threshold <= 0.5, PMID: 27666373). To our knowledge, functional studies have not been reported for this variant. This variant has been reported in an individual affected with arrhythmogenic right ventricular cardiomyopathy (PMID: 26264440). This variant has been identified in 16/149434 chromosomes in the general population by the Genome Aggregation Database (gnomAD). The available evidence is insufficient to determine the role of this variant in disease conclusively. Therefore, this variant is classified as a Variant of Uncertain Significance.

This study involves interpretation of variants in research participants for the purpose of population health screening. Participant phenotype was not available at the time of variant classification. Additional details can be found in publication PMID: 35346344, PMCID: PMC8962531

GeneDx
Classification: Uncertain significance. Last evaluated: 2023-12-29. Review status: criteria provided, single submitter. Criteria: GeneDx Variant Classification Process June 2021. Collection method: clinical testing. Allele origin: germline. Affected: yes.
Comment: Identified in 15 individuals from a cohort of 30,716 predominantly European individuals undergoing exome sequencing and review of available electronic health records indicated that none of these individuals had a documented diagnosis of ARVC (PMID: 28471438), although specific clinical details and follow-up cardiac evaluations were not reported; In silico analysis supports that this missense variant does not alter protein structure/function; This variant is associated with the following publications: (PMID: 23911551, 26264440, 20864495, 31402444, 28471438)

Fulgent Genetics
Classification: Uncertain significance for Arrhythmogenic right ventricular dysplasia 11. Last evaluated: 2021-11-10. Review status: criteria provided, single submitter. Criteria: ACMG Guidelines, 2015. Collection method: clinical testing. Allele origin: unknown.

Ambry Genetics
Classification: Likely benign for Cardiovascular phenotype. Last evaluated: 2021-10-04. Review status: criteria provided, single submitter. Criteria: Ambry Variant Classification Scheme 2023. Collection method: clinical testing. Allele origin: germline.

ARUP Laboratories, Molecular Genetics and Genomics, ARUP Laboratories
Classification: Uncertain significance. Last evaluated: 2018-10-05. Review status: criteria provided, single submitter. Criteria: ARUP Molecular Germline Variant Investigation Process. Collection method: clinical testing. Allele origin: germline.
Comment: This variant is listed in the Genome Aggregation Database (gnomAD) with a population frequency of 0.02 percent in the European Non-Finnish population (identified on 12 out of 56,600 chromosomes) and has been reported to the ClinVar database (Variation ID: 199776). The glutamic acid at the second codon is weakly conserved and before the signal peptide which is cleaved off before insertion into the plasma membrane. Computational analyses of the p.Glu2Lys variant on protein structure and function provide conflicting results (SIFT: damaging, PolyPhen-2: benign). Altogether, there is not enough evidence to classify the p.Glu2Lys variant with certainty.

Illumina Laboratory Services, Illumina
Classification: Uncertain significance for Arrhythmogenic right ventricular dysplasia 11. Last evaluated: 2017-04-27. Review status: criteria provided, single submitter. Criteria: ICSL Variant Classification Criteria 13 December 2019. Collection method: clinical testing. Allele origin: germline.

Literature cited by the submitters: PubMed 20864495 (cited by Labcorp Genetics (formerly Invitae), Labcorp and Ambry Genetics); PubMed 26264440 (cited by All of Us Research Program, National Institutes of Health); PubMed 28471438 (cited by Ambry Genetics).